The following is an entry in ClinVar:

NM_000807.4(GABRA2):c.1328G>A (p.Arg443Lys)

Gene: GABRA2 (gamma-aminobutyric acid type A receptor subunit alpha2; minus strand). Cytogenetic location: 4p12.
Variant type: single nucleotide variant.
Coding change: c.1328G>A on transcript NM_000807.4 (MANE Select); coding-DNA position 1328, G replaced by A.
Protein change: p.Arg443Lys; replaces arginine 443 with lysine.
Molecular consequence: missense variant.
Genome position (GRCh38, 1-based): chr4:46,250,336, C>T on the plus strand (G>A on the coding strand, the complement: GABRA2 is on the minus strand). VCF-style: chr4-46250336-C-T. GRCh37 (hg19) VCF-style: chr4-46252353-C-T.
Other names: c.1328G>A, p.Arg443Lys (NM_001114175.3, NM_001377146.1, NM_001377147.1 and 4 more transcripts); c.1343G>A, p.Arg448Lys (NM_001286827.3); c.1508G>A, p.Arg503Lys (NM_001330690.2, NM_001377144.1, NM_001377145.1); c.1163G>A, p.Arg388Lys (NM_001377152.1, NM_001377153.1, NM_001377154.1); short protein forms R388K, R443K, R503K, R448K.
Identifiers: ClinVar variation 2705902 (VCV002705902.3), dbSNP rs200987678, ClinGen allele CA97076983.

ClinVar aggregate classification (germline): Uncertain significance (1 of 4 stars; one submission).

Allele frequency attached by ClinVar (database versions not stated): TOPMed 0.00001.

Submission:

Labcorp Genetics (formerly Invitae), Labcorp
Classification: Uncertain significance. Last evaluated: 2023-12-27. Review status: criteria provided, single submitter. Criteria: Invitae Variant Classification Sherloc (09022015). Collection method: clinical testing. Allele origin: germline.
Comment: This sequence change replaces arginine, which is basic and polar, with lysine, which is basic and polar, at codon 503 of the GABRA2 protein (p.Arg503Lys). This variant is not present in population databases (gnomAD no frequency). This variant has not been reported in the literature in individuals affected with GABRA2-related conditions. Experimental studies and prediction algorithms are not available or were not evaluated, and the functional significance of this variant is currently unknown. In summary, the available evidence is currently insufficient to determine the role of this variant in disease. Therefore, it has been classified as a Variant of Uncertain Significance.